The following is an entry in ClinVar:

ClinVar aggregate classification (germline): Uncertain significance (1 of 4 stars; one submission).

Conditions:
Hereditary cancer-predisposing syndrome. Also called: Neoplastic Syndromes, Hereditary; Tumor predisposition; Hereditary neoplastic syndrome; Hereditary Cancer Syndrome. Identifiers: Orphanet 140162, MedGen C0027672, MeSH D009386, MONDO:0015356.

Submission:

Ambry Genetics
Classification: Uncertain significance for Hereditary cancer-predisposing syndrome. Last evaluated: 2026-07-30. Review status: criteria provided, single submitter. Criteria: Ambry Variant Classification Scheme 2023. Collection method: clinical testing. Allele origin: germline.
Comment: The p.N331H variant (also known as c.991A>C), located in coding exon 10 of the TSC2 gene, results from an A to C substitution at nucleotide position 991. The asparagine at codon 331 is replaced by histidine, an amino acid with similar properties. This amino acid position is conserved. In addition, the in silico prediction for this alteration is inconclusive. Based on the available evidence, the clinical significance of this variant remains unclear.

NM_000548.5(TSC2):c.991A>C (p.Asn331His)

Gene: TSC2 (TSC complex subunit 2; plus strand). Cytogenetic location: 16p13.3.
Variant type: single nucleotide variant.
Coding change: c.991A>C on transcript NM_000548.5 (MANE Select); coding-DNA position 991, A replaced by C.
Protein change: p.Asn331His; replaces asparagine 331 with histidine.
Molecular consequence: missense variant. On other transcripts: 5 prime UTR variant (10), non-coding transcript variant (5).
Genome position (GRCh38, 1-based): chr16:2,060,685, A>C. VCF-style: chr16-2060685-A-C. GRCh37 (hg19) VCF-style: chr16-2110686-A-C.
Other names: c.529A>C, p.Asn177His (NM_001406681.1); c.391A>C, p.Asn131His (NM_001406682.1, NM_001406683.1, NM_001406684.1 and 6 more transcripts); c.-441A>C (NM_001406689.1, NM_001406690.1, NM_001406691.1 and 4 more transcripts); c.991A>C, p.Asn331His (NM_001077183.3, NM_001114382.3, NM_001363528.2 and 6 more transcripts); c.880A>C, p.Asn294His (NM_001318827.2, NM_001406670.1, NM_001406678.1); c.844A>C, p.Asn282His (NM_001318829.2, NM_001406675.1, NM_001406676.1 and 1 more transcripts); c.1024A>C, p.Asn342His (NM_001318832.2); c.1081A>C, p.Asn361His (NM_001406667.1, NM_001406668.1); and 4 more; short protein forms N131H, N177H, N282H, N294H, N361H, N331H, N312H, N327H.
Identifiers: ClinVar variation 5031374 (VCV005031374.1).